The following is an entry in ClinVar:

ClinVar aggregate classification (germline): Uncertain significance (1 of 4 stars; one submission).

Conditions:
Asphyxiating thoracic dystrophy 5 (SRTD5). Also called: SHORT-RIB THORACIC DYSPLASIA 5 WITH OR WITHOUT POLYDACTYLY; SHORT-RIB THORACIC DYSPLASIA 5 WITHOUT POLYDACTYLY. Identifiers: Orphanet 474, MedGen C3280598, MONDO:0013717, OMIM 614376.
Senior-Loken syndrome 8 (SLSN8). Identifiers: Orphanet 3156, MedGen C4225376, MONDO:0014579, OMIM 616307.

Allele frequency attached by ClinVar (database versions not stated): TOPMed below 0.00001.

Submission:

Labcorp Genetics (formerly Invitae), Labcorp
Classification: Uncertain significance for Senior-Loken syndrome 8; Asphyxiating thoracic dystrophy 5. Last evaluated: 2022-08-10. Review status: criteria provided, single submitter. Criteria: Invitae Variant Classification Sherloc (09022015). Collection method: clinical testing. Allele origin: germline.
Comment: This variant has not been reported in the literature in individuals affected with WDR19-related conditions. This variant is not present in population databases (gnomAD no frequency). This sequence change replaces methionine, which is neutral and non-polar, with leucine, which is neutral and non-polar, at codon 1316 of the WDR19 protein (p.Met1316Leu). ClinVar contains an entry for this variant (Variation ID: 943843). In summary, the available evidence is currently insufficient to determine the role of this variant in disease. Therefore, it has been classified as a Variant of Uncertain Significance. Algorithms developed to predict the effect of sequence changes on RNA splicing suggest that this variant may create or strengthen a splice site. Algorithms developed to predict the effect of missense changes on protein structure and function are either unavailable or do not agree on the potential impact of this missense change (SIFT: "Deleterious"; PolyPhen-2: "Possibly Damaging"; Align-GVGD: "Class C0").

NM_025132.4(WDR19):c.3946A>T (p.Met1316Leu)

Gene: WDR19 (WD repeat domain 19; plus strand). Cytogenetic location: 4p14.
Variant type: single nucleotide variant.
Coding change: c.3946A>T on transcript NM_025132.4 (MANE Select); coding-DNA position 3946, A replaced by T.
Protein change: p.Met1316Leu; replaces methionine 1316 with leucine.
Molecular consequence: missense variant.
Genome position (GRCh38, 1-based): chr4:39,278,567, A>T. VCF-style: chr4-39278567-A-T. GRCh37 (hg19) VCF-style: chr4-39280187-A-T.
Other names: c.3466A>T, p.Met1156Leu (NM_001317924.2); short protein forms M1156L, M1316L.
Identifiers: ClinVar variation 943843 (VCV000943843.9), dbSNP rs1736144507, ClinGen allele CA356654187.